The following is an entry in ClinVar:

ClinVar aggregate classification (germline): Uncertain significance. Review status: criteria provided, multiple submitters, no conflicts (2 of 4 stars). 3 submissions from 3 submitters: Uncertain significance (3). Last evaluated 2025-06-09.

Conditions:
Hereditary cancer-predisposing syndrome. Also called: Tumor predisposition; Neoplastic Syndromes, Hereditary; Hereditary neoplastic syndrome; Hereditary Cancer Syndrome. Identifiers: Orphanet 140162, MedGen C0027672, MeSH D009386, MONDO:0015356.
Retinoblastoma (RB1). Also called: RETINOBLASTOMA, SOMATIC. Identifiers: Orphanet 790, MedGen C0035335, MeSH D012175, MONDO:0008380, OMIM 180200, HP:0009919. Disease mechanism: loss of function. Inheritance: Both sporadic and heritable forms are tested..

gnomAD v4.1: 1 of 1,613,450 alleles (0.000062%); highest among the groups gnomAD compares: Non-Finnish European, 0.000085%; no homozygotes.

Submissions (3):

Color Diagnostics, LLC DBA Color Health
Classification: Uncertain significance for Retinoblastoma. Last evaluated: 2025-06-09. Review status: criteria provided, single submitter. Criteria: ACMG Guidelines, 2015. Collection method: clinical testing. Allele origin: germline.
Comment: This missense variant replaces histidine with leucine at codon 372 of the RB1 protein. Computational prediction suggests that this variant may not impact protein structure and function. To our knowledge, functional studies have not been reported for this variant. This variant has not been reported in individuals affected with RB1-related disorders in the literature. This variant has not been identified in the general population by the Genome Aggregation Database (gnomAD). The available evidence is insufficient to determine the role of this variant in disease conclusively. Therefore, this variant is classified as a Variant of Uncertain Significance.

Ambry Genetics
Classification: Uncertain significance for Hereditary cancer-predisposing syndrome. Last evaluated: 2025-02-16. Review status: criteria provided, single submitter. Criteria: Ambry Variant Classification Scheme 2023. Collection method: clinical testing. Allele origin: germline.
Comment: The p.H372L variant (also known as c.1115A>T), located in coding exon 11 of the RB1 gene, results from an A to T substitution at nucleotide position 1115. The histidine at codon 372 is replaced by leucine, an amino acid with similar properties. This amino acid position is conserved. In addition, this alteration is predicted to be tolerated by in silico analysis. Based on the available evidence, the clinical significance of this variant remains unclear.

Labcorp Genetics (formerly Invitae), Labcorp
Classification: Uncertain significance for Retinoblastoma. Last evaluated: 2024-05-09. Review status: criteria provided, single submitter. Criteria: Invitae Variant Classification Sherloc (09022015). Collection method: clinical testing. Allele origin: germline.
Comment: This sequence change replaces histidine, which is basic and polar, with leucine, which is neutral and non-polar, at codon 372 of the RB1 protein (p.His372Leu). This variant is not present in population databases (gnomAD no frequency). This variant has not been reported in the literature in individuals affected with RB1-related conditions. ClinVar contains an entry for this variant (Variation ID: 1017382). Advanced modeling of protein sequence and biophysical properties (such as structural, functional, and spatial information, amino acid conservation, physicochemical variation, residue mobility, and thermodynamic stability) performed at Invitae indicates that this missense variant is not expected to disrupt RB1 protein function with a negative predictive value of 80%. In summary, the available evidence is currently insufficient to determine the role of this variant in disease. Therefore, it has been classified as a Variant of Uncertain Significance.

NM_000321.3(RB1):c.1115A>T (p.His372Leu)

Gene: RB1 (RB transcriptional corepressor 1; plus strand). Cytogenetic location: 13q14.2.
Variant type: single nucleotide variant.
Coding change: c.1115A>T on transcript NM_000321.3 (MANE Select); coding-DNA position 1115, A replaced by T.
Protein change: p.His372Leu; replaces histidine 372 with leucine.
Molecular consequence: missense variant.
Genome position (GRCh38, 1-based): chr13:48,368,592, A>T. VCF-style: chr13-48368592-A-T. GRCh37 (hg19) VCF-style: chr13-48942728-A-T.
Other names: c.1115A>T (NM_000321.2); short protein forms H372L.
Identifiers: ClinVar variation 1017382 (VCV001017382.9), dbSNP rs1015497370, ClinGen allele CA388161344.